The following is an entry in ClinVar:

NM_020366.4(RPGRIP1):c.2000del (p.Pro667fs)

Gene: RPGRIP1 (RPGR interacting protein 1; plus strand). Cytogenetic location: 14q11.2.
Variant type: Deletion.
Coding change: c.2000del on transcript NM_020366.4 (MANE Select); coding-DNA position 2000, one base deleted (C; older notation c.2000delC).
Protein change: p.Pro667fs; shifts the reading frame from proline 667.
Molecular consequence: frameshift variant. On other transcripts: intron variant (4).
Genome position (GRCh38, 1-based): chr14:21,324,855, C deleted; the last of 4 consecutive C bases (chr14:21,324,852-21,324,855); deleting any one gives the same sequence. VCF-style (leftmost placement, unchanged base first): chr14-21324851-AC-A. GRCh37 (hg19) VCF-style: chr14-21793010-AC-A.
Other names: c.926del, p.Pro309fs (NM_001377948.1); c.796+130del (NM_001377949.1); c.689-2768del (NM_001377523.1, NM_001377950.1); c.191-2768del (NM_001377951.1); short protein forms P667fs, P309fs.
Identifiers: ClinVar variation 4787273 (VCV004787273.1).

ClinVar aggregate classification (germline): Pathogenic (1 of 4 stars; one submission).

Conditions:
Cone-rod dystrophy 13 (CORD13). Identifiers: Orphanet 1872, MedGen C2750720, MONDO:0011987, OMIM 608194.
Leber congenital amaurosis 6 (LCA6). Identifiers: Orphanet 65, MedGen C1854260, MONDO:0013446, OMIM 613826.

Submission:

Labcorp Genetics (formerly Invitae), Labcorp
Classification: Pathogenic for Leber congenital amaurosis 6; Cone-rod dystrophy 13. Last evaluated: 2026-01-14. Review status: criteria provided, single submitter. Criteria: Invitae Variant Classification Sherloc (09022015). Collection method: clinical testing. Allele origin: germline.
Comment: This sequence change creates a premature translational stop signal (p.Pro667Hisfs*17) in the RPGRIP1 gene. It is expected to result in an absent or disrupted protein product. Loss-of-function variants in RPGRIP1 are known to be pathogenic (PMID: 11528500, 23105016). This variant is not present in population databases (gnomAD no frequency). This variant has not been reported in the literature in individuals affected with RPGRIP1-related conditions. For these reasons, this variant has been classified as Pathogenic.

Literature cited by the submitters: PubMed 11528500; PubMed 23105016.